The following is an entry in ClinVar:

NM_006258.4(PRKG1):c.591G>A (p.Lys197=)

Gene: PRKG1 (protein kinase cGMP-dependent 1; plus strand). Cytogenetic location: 10q21.1.
Variant type: single nucleotide variant.
Coding change: c.591G>A on transcript NM_006258.4 (MANE Select); coding-DNA position 591, G replaced by A.
Protein change: p.Lys197=; no amino-acid change (lysine 197 retained).
Molecular consequence: synonymous variant.
Genome position (GRCh38, 1-based): chr10:51,467,835, G>A. VCF-style: chr10-51467835-G-A. GRCh37 (hg19) VCF-style: chr10-53227595-G-A.
Other names: c.546G>A, p.Lys182= (LRG_1135t2, NM_001098512.3); c.591G>A, p.Lys197= (LRG_1135t1).
Identifiers: ClinVar variation 508034 (VCV000508034.1), dbSNP rs1275290492, ClinGen allele CA469496792.

ClinVar aggregate classification (germline): Likely benign (1 of 4 stars; one submission).

Allele frequency attached by ClinVar (database versions not stated): gnomAD exomes below 0.00001 and 0.00001; TOPMed 0.00001.
gnomAD v4.1: 3 of 1,605,296 alleles (0.00019%); highest among the groups gnomAD compares: East Asian, 0.0045%; no homozygotes.

Submission:

GeneDx
Classification: Likely benign. Last evaluated: 2017-03-20. Review status: criteria provided, single submitter. Criteria: GeneDx Variant Classification (06012015). Collection method: clinical testing. Allele origin: germline. Affected: yes.
Comment: This variant is considered likely benign or benign based on one or more of the following criteria: it is a conservative change, it occurs at a poorly conserved position in the protein, it is predicted to be benign by multiple in silico algorithms, and/or has population frequency not consistent with disease.